The following is an entry in ClinVar:

NM_001128178.3(NPHP1):c.223G>C (p.Val75Leu)

Gene: NPHP1 (nephrocystin 1; minus strand). Cytogenetic location: 2q13.
Variant type: single nucleotide variant.
Coding change: c.223G>C on transcript NM_001128178.3 (MANE Select); coding-DNA position 223, G replaced by C.
Protein change: p.Val75Leu; replaces valine 75 with leucine.
Molecular consequence: missense variant. On other transcripts: intron variant (1).
Genome position (GRCh38, 1-based): chr2:110,178,529, C>G on the plus strand (G>C on the coding strand, the complement: NPHP1 is on the minus strand). VCF-style: chr2-110178529-C-G. GRCh37 (hg19) VCF-style: chr2-110936106-C-G.
Other names: c.223G>C, p.Val75Leu (NM_000272.5, NM_001374256.1, NM_001374257.1 and 1 more transcripts); c.144-8531G>C (NM_001128179.3); short protein forms V75L.
Identifiers: ClinVar variation 983005 (VCV000983005.9), dbSNP rs760772706, ClinGen allele CA1827462.

ClinVar aggregate classification (germline): Uncertain significance. Review status: criteria provided, multiple submitters, no conflicts (2 of 4 stars). 3 submissions from 3 submitters: Uncertain significance (3). Last evaluated 2026-03-19.

Conditions:
Joubert syndrome with renal defect. Also called: JOUBERT SYNDROME 4. Identifiers: Orphanet 220497, MedGen C1846790, MONDO:0012308, OMIM 609583.
Nephronophthisis. Also called: Juvenile Nephronophthisis. Identifiers: Orphanet 655, MedGen C0687120, MONDO:0019005, HP:0000090.
NPHP1-related disorder. Also called: NPHP1-related disorders; NPHP1-related condition.

Allele frequency attached by ClinVar (database versions not stated): ExAC 0.00001; gnomAD exomes 0.00001.
gnomAD v4.1: 6 of 1,613,674 alleles (0.00037%); highest among the groups gnomAD compares: Non-Finnish European, 0.00051%; no homozygotes.

Submissions (3):

PreventionGenetics, part of Exact Sciences
Classification: Uncertain significance for NPHP1-related condition. Last evaluated: 2026-03-19. Review status: criteria provided, single submitter. Criteria: ACMG Guidelines, 2015. Collection method: clinical testing. Allele origin: germline.
Comment: The NPHP1 c.223G>C variant is predicted to result in the amino acid substitution p.Val75Leu. To our knowledge, this variant has not been reported in the literature. This variant is reported in 0.0018% of alleles in individuals of European (Non-Finnish) descent in gnomAD. At this time, the clinical significance of this variant is uncertain due to the absence of conclusive functional and genetic evidence.

Labcorp Genetics (formerly Invitae), Labcorp
Classification: Uncertain significance for Nephronophthisis. Last evaluated: 2021-07-01. Review status: criteria provided, single submitter. Criteria: Invitae Variant Classification Sherloc (09022015). Collection method: clinical testing. Allele origin: germline.
Comment: This sequence change replaces valine with leucine at codon 75 of the NPHP1 protein (p.Val75Leu). The valine residue is moderately conserved and there is a small physicochemical difference between valine and leucine. This variant is present in population databases (rs760772706, ExAC 0.002%). This variant has not been reported in the literature in individuals with NPHP1-related conditions. ClinVar contains an entry for this variant (Variation ID: 983005). Algorithms developed to predict the effect of missense changes on protein structure and function are either unavailable or do not agree on the potential impact of this missense change (SIFT: "Tolerated"; PolyPhen-2: "Possibly Damaging"; Align-GVGD: "Class C0"). In summary, the available evidence is currently insufficient to determine the role of this variant in disease. Therefore, it has been classified as a Variant of Uncertain Significance.

Institute of Human Genetics, University of Leipzig Medical Center
Classification: Uncertain significance for Joubert syndrome with renal defect. Last evaluated: 2019-01-01. Review status: criteria provided, single submitter. Criteria: ACMG Guidelines, 2015. Collection method: clinical testing. Allele origin: unknown. Affected: yes.